The following is an entry in ClinVar:

NM_015559.3(SETBP1):c.4011T>A (p.Ser1337Arg)

Gene: SETBP1 (SET binding protein 1; plus strand). Cytogenetic location: 18q12.3.
Variant type: single nucleotide variant.
Coding change: c.4011T>A on transcript NM_015559.3 (MANE Select); coding-DNA position 4011, T replaced by A.
Protein change: p.Ser1337Arg; replaces serine 1337 with arginine.
Molecular consequence: missense variant.
Genome position (GRCh38, 1-based): chr18:45,038,495, T>A. VCF-style: chr18-45038495-T-A. GRCh37 (hg19) VCF-style: chr18-42618460-T-A.
Other names: c.4011T>A, p.Ser1337Arg (NM_001379141.1, NM_001379142.1); short protein forms S1337R.
Identifiers: ClinVar variation 1716296 (VCV001716296.5), dbSNP rs1197879510, ClinGen allele CA402482325.

ClinVar aggregate classification (germline): Uncertain significance (1 of 4 stars; one submission).

gnomAD v4.1: 2 of 1,614,036 alleles (0.00012%); no homozygotes.

Submission:

Labcorp Genetics (formerly Invitae), Labcorp
Classification: Uncertain significance. Last evaluated: 2022-08-13. Review status: criteria provided, single submitter. Criteria: Invitae Variant Classification Sherloc (09022015). Collection method: clinical testing. Allele origin: germline.
Comment: This sequence change replaces serine, which is neutral and polar, with arginine, which is basic and polar, at codon 1337 of the SETBP1 protein (p.Ser1337Arg). This variant is not present in population databases (gnomAD no frequency). This variant has not been reported in the literature in individuals affected with SETBP1-related conditions. Algorithms developed to predict the effect of missense changes on protein structure and function are either unavailable or do not agree on the potential impact of this missense change (SIFT: "Deleterious"; PolyPhen-2: "Possibly Damaging"; Align-GVGD: "Class C0"). In summary, the available evidence is currently insufficient to determine the role of this variant in disease. Therefore, it has been classified as a Variant of Uncertain Significance.